The following is an entry in ClinVar:

NM_004444.5(EPHB4):c.1180C>T (p.Arg394Ter)

Gene: EPHB4 (EPH receptor B4; minus strand). Cytogenetic location: 7q22.1.
Variant type: single nucleotide variant.
Coding change: c.1180C>T on transcript NM_004444.5 (MANE Select); coding-DNA position 1180, C replaced by T.
Protein change: p.Arg394Ter; replaces arginine 394 with a stop codon.
Molecular consequence: nonsense.
Genome position (GRCh38, 1-based): chr7:100,819,674, G>A on the plus strand (C>T on the coding strand, the complement: EPHB4 is on the minus strand). VCF-style: chr7-100819674-G-A. GRCh37 (hg19) VCF-style: chr7-100417296-G-A.
Other names: short protein forms R394*.
Identifiers: ClinVar variation 618629 (VCV000618629.15), dbSNP rs994651018, ClinGen allele CA368574961.

ClinVar aggregate classification (germline): Pathogenic. Review status: criteria provided, multiple submitters, no conflicts (2 of 4 stars). 2 submissions from 2 submitters: Pathogenic (2). Last evaluated 2021-02-19.

Submissions (2):

Labcorp Genetics (formerly Invitae), Labcorp
Classification: Pathogenic. Last evaluated: 2021-02-19. Review status: criteria provided, single submitter. Criteria: Invitae Variant Classification Sherloc (09022015). Collection method: clinical testing. Allele origin: germline.
Comment: For these reasons, this variant has been classified as Pathogenic. This variant has been observed in individual(s) with capillary malformation-arteriovenous malformation (PMID: 30760892). ClinVar contains an entry for this variant (Variation ID: 618629). This variant is not present in population databases (ExAC no frequency). This sequence change creates a premature translational stop signal (p.Arg394*) in the EPHB4 gene. It is expected to result in an absent or disrupted protein product. Loss-of-function variants in EPHB4 are known to be pathogenic (PMID: 28687708).

ARUP Laboratories, Molecular Genetics and Genomics, ARUP Laboratories
Classification: Pathogenic. Last evaluated: 2018-06-29. Review status: criteria provided, single submitter. Criteria: ARUP Molecular Germline Variant Investigation Process. Collection method: clinical testing. Allele origin: germline.
Comment: The EPHB4 c.1180C>T; p.Arg394Ter variant, to our knowledge, is not reported in the medical literature or gene specific databases. This variant is also absent from general population databases (1000 Genomes Project, Exome Variant Server, and Genome Aggregation Database), indicating it is not a common polymorphism. This variant induces an early termination codon and is predicted to result in a truncated protein or mRNA subject to nonsense-mediated decay. Though the EPHB4 c.1180C>T; p.Arg394Ter variant has not been reported, one study reported downstream truncating variants in EPHB4 in patients with capillary malformation-arteriovenous malformation (Amyere 2017). Based on available information, this variant is considered to be likely pathogenic.

Literature cited by the submitters: PubMed 30760892 (cited by Labcorp Genetics (formerly Invitae), Labcorp); PubMed 28687708 (cited by Labcorp Genetics (formerly Invitae), Labcorp).